The following is an entry in ClinVar:

NM_001374385.1(ATP8B1):c.3180G>C (p.Gly1060=)

Genes: ATP8B1 (ATPase phospholipid transporting 8B1; minus strand), ATP8B1-AS1 (ATP8B1 antisense RNA 1; plus strand). Cytogenetic location: 18q21.31.
Variant type: single nucleotide variant.
Coding change: c.3180G>C on transcript NM_001374385.1 (MANE Select); coding-DNA position 3180, G replaced by C.
Protein change: p.Gly1060=; no amino-acid change (glycine 1060 retained).
Molecular consequence: synonymous variant.
Genome position (GRCh38, 1-based): chr18:57,652,565, C>G on the plus strand (G>C on the coding strand, the complement: ATP8B1 is on the minus strand). VCF-style: chr18-57652565-C-G. GRCh37 (hg19) VCF-style: chr18-55319797-C-G.
Other names: c.3180G>C (NM_005603.4); c.3030G>C, p.Gly1010= (NM_001374386.1); c.3180G>C, p.Gly1060= (NM_005603.6).
Identifiers: ClinVar variation 2969455 (VCV002969455.4), dbSNP rs759303818, ClinGen allele CA8974068.

ClinVar aggregate classification (germline): Likely benign. Review status: criteria provided, multiple submitters, no conflicts (2 of 4 stars). 2 submissions from 2 submitters: Likely benign (2). Last evaluated 2025-12-07.

Conditions:
ATP8B1-related disorder. Also called: ATP8B1-related condition; ATP8B1-related disorders.

Allele frequency attached by ClinVar (database versions not stated): ExAC 0.00001; gnomAD 0.00004.
gnomAD v4.1: 13 of 1,613,994 alleles (0.00081%); highest among the groups gnomAD compares: Admixed American, 0.022%; no homozygotes.

Submissions (2):

PreventionGenetics, part of Exact Sciences
Classification: Likely benign for ATP8B1-related condition. Last evaluated: 2025-12-07. Review status: criteria provided, single submitter. Criteria: ACMG Guidelines, 2015. Collection method: clinical testing. Allele origin: germline.
Comment: This variant is classified as likely benign based on ACMG/AMP sequence variant interpretation guidelines (Richards et al. 2015 PMID: 25741868, with internal and published modifications).

Labcorp Genetics (formerly Invitae), Labcorp
Classification: Likely benign. Last evaluated: 2023-12-31. Review status: criteria provided, single submitter. Criteria: Invitae Variant Classification Sherloc (09022015). Collection method: clinical testing. Allele origin: germline.